The following is an entry in ClinVar:

ClinVar aggregate classification (germline): Uncertain significance. Review status: criteria provided, multiple submitters, no conflicts (2 of 4 stars). 2 submissions from 2 submitters: Uncertain significance (2). Last evaluated 2024-11-03.

Allele frequency attached by ClinVar (database versions not stated): gnomAD 0.00001.
gnomAD v4.1: 1 of 1,613,976 alleles (0.000062%); highest among the groups gnomAD compares: African/African-American, 0.0013%; no homozygotes.

Submissions (2):

Labcorp Genetics (formerly Invitae), Labcorp
Classification: Uncertain significance. Last evaluated: 2024-11-03. Review status: criteria provided, single submitter. Criteria: Invitae Variant Classification Sherloc (09022015). Collection method: clinical testing. Allele origin: germline.
Comment: This sequence change replaces histidine, which is basic and polar, with tyrosine, which is neutral and polar, at codon 53 of the FOXP1 protein (p.His53Tyr). This variant is not present in population databases (gnomAD no frequency). This variant has not been reported in the literature in individuals affected with FOXP1-related conditions. ClinVar contains an entry for this variant (Variation ID: 1878775). Invitae Evidence Modeling of protein sequence and biophysical properties (such as structural, functional, and spatial information, amino acid conservation, physicochemical variation, residue mobility, and thermodynamic stability) indicates that this missense variant is not expected to disrupt FOXP1 protein function with a negative predictive value of 80%. In summary, the available evidence is currently insufficient to determine the role of this variant in disease. Therefore, it has been classified as a Variant of Uncertain Significance.

GeneDx
Classification: Uncertain significance. Last evaluated: 2022-07-09. Review status: criteria provided, single submitter. Criteria: GeneDx Variant Classification Process June 2021. Collection method: clinical testing. Allele origin: germline. Affected: yes.
Comment: Not observed at significant frequency in large population cohorts (gnomAD); In silico analysis supports that this missense variant has a deleterious effect on protein structure/function; Has not been previously published as pathogenic or benign to our knowledge

NM_001349338.3(FOXP1):c.157C>T (p.His53Tyr)

Gene: FOXP1 (forkhead box P1; minus strand). Cytogenetic location: 3p13.
Variant type: single nucleotide variant.
Coding change: c.157C>T on transcript NM_001349338.3 (MANE Select); coding-DNA position 157, C replaced by T.
Protein change: p.His53Tyr; replaces histidine 53 with tyrosine.
Molecular consequence: missense variant. On other transcripts: non-coding transcript variant (2).
Genome position (GRCh38, 1-based): chr3:71,198,225, G>A on the plus strand (C>T on the coding strand, the complement: FOXP1 is on the minus strand). VCF-style: chr3-71198225-G-A. GRCh37 (hg19) VCF-style: chr3-71247376-G-A.
Other names: c.157C>T, p.His53Tyr (NM_001012505.2, NM_001244808.3, NM_001244810.2 and 7 more transcripts); short protein forms H53Y.
Identifiers: ClinVar variation 1878775 (VCV001878775.3), dbSNP rs1337277436, ClinGen allele CA353565016.